The following is an entry in ClinVar:

ClinVar aggregate classification (germline): Uncertain significance. Review status: criteria provided, multiple submitters, no conflicts (2 of 4 stars). 4 submissions from 4 submitters: Uncertain significance (4). Last evaluated 2025-11-18.

Conditions:
Familial thoracic aortic aneurysm and aortic dissection (TAAD). Also called: Thoracic aortic aneurysms and dissections. Identifiers: Orphanet 91387, MedGen C4707243, MONDO:0019625.
Congenital contractural arachnodactyly (CCA). Also called: Beals-Hecht syndrome; BEALS SYNDROME; Arthrogryposis, distal, type 9. Identifiers: Orphanet 115, MedGen C0220668, MONDO:0007363, OMIM 121050.

Allele frequency attached by ClinVar (database versions not stated): ExAC 0.00001; gnomAD 0.00001; gnomAD exomes 0.00001 and 0.00002; TOPMed 0.00001.
gnomAD v4.1: 20 of 1,613,982 alleles (0.0012%); highest among the groups gnomAD compares: Middle Eastern, 0.033%; no homozygotes.

Submissions (4):

Labcorp Genetics (formerly Invitae), Labcorp
Classification: Uncertain significance for Congenital contractural arachnodactyly. Last evaluated: 2025-11-18. Review status: criteria provided, single submitter. Criteria: Invitae Variant Classification Sherloc (09022015). Collection method: clinical testing. Allele origin: germline.
Comment: This sequence change replaces leucine, which is neutral and non-polar, with phenylalanine, which is neutral and non-polar, at codon 1309 of the FBN2 protein (p.Leu1309Phe). This variant is present in population databases (rs763595235, gnomAD 0.004%). This variant has not been reported in the literature in individuals affected with FBN2-related conditions. ClinVar contains an entry for this variant (Variation ID: 458765). Invitae Evidence Modeling of protein sequence and biophysical properties (such as structural, functional, and spatial information, amino acid conservation, physicochemical variation, residue mobility, and thermodynamic stability) has been performed for this missense variant. However, the output from this modeling did not meet the statistical confidence thresholds required to predict the impact of this variant on FBN2 protein function. In summary, the available evidence is currently insufficient to determine the role of this variant in disease. Therefore, it has been classified as a Variant of Uncertain Significance.

Ambry Genetics
Classification: Uncertain significance for Familial thoracic aortic aneurysm and aortic dissection. Last evaluated: 2024-06-13. Review status: criteria provided, single submitter. Criteria: Ambry Variant Classification Scheme 2023. Collection method: clinical testing. Allele origin: germline.
Comment: The p.L1309F variant (also known as c.3925C>T), located in coding exon 30 of the FBN2 gene, results from a C to T substitution at nucleotide position 3925. The leucine at codon 1309 is replaced by phenylalanine, an amino acid with highly similar properties. This amino acid position is highly conserved in available vertebrate species. In addition, this alteration is predicted to be deleterious by in silico analysis. Based on the available evidence, the clinical significance of this variant remains unclear.

Mayo Clinic Laboratories, Mayo Clinic
Classification: Uncertain significance. Last evaluated: 2024-04-02. Review status: criteria provided, single submitter. Criteria: ACMG Guidelines, 2015. Collection method: clinical testing. Allele origin: germline. Observed: 1 variant allele.
Comment: BS1, PP3

Breakthrough Genomics
Classification: Uncertain significance. Review status: criteria provided, single submitter. Criteria: ACMG Guidelines, 2015. Collection method: not provided. Allele origin: germline. Inheritance: Autosomal dominant inheritance. Affected: yes.

NM_001999.4(FBN2):c.3925C>T (p.Leu1309Phe)

Gene: FBN2 (fibrillin 2; minus strand). Cytogenetic location: 5q23.3.
Variant type: single nucleotide variant.
Coding change: c.3925C>T on transcript NM_001999.4 (MANE Select); coding-DNA position 3925, C replaced by T.
Protein change: p.Leu1309Phe; replaces leucine 1309 with phenylalanine.
Molecular consequence: missense variant.
Genome position (GRCh38, 1-based): chr5:128,335,218, G>A on the plus strand (C>T on the coding strand, the complement: FBN2 is on the minus strand). VCF-style: chr5-128335218-G-A. GRCh37 (hg19) VCF-style: chr5-127670910-G-A.
Other names: p.Leu1309Phe; short protein forms L1309F.
Identifiers: ClinVar variation 458765 (VCV000458765.12), dbSNP rs763595235, ClinGen allele CA3395100.